The following is an entry in ClinVar:

NM_001286445.3(RIPOR2):c.2327T>C (p.Ile776Thr)

Gene: RIPOR2 (RHO family interacting cell polarization regulator 2; minus strand). Cytogenetic location: 6p22.3.
Variant type: single nucleotide variant.
Coding change: c.2327T>C on transcript NM_001286445.3 (MANE Select); coding-DNA position 2327, T replaced by C.
Protein change: p.Ile776Thr; replaces isoleucine 776 with threonine.
Molecular consequence: missense variant.
Genome position (GRCh38, 1-based): chr6:24,832,273, A>G on the plus strand (T>C on the coding strand, the complement: RIPOR2 is on the minus strand). VCF-style: chr6-24832273-A-G. GRCh37 (hg19) VCF-style: chr6-24832501-A-G.
Other names: c.2240T>C, p.Ile747Thr (NM_001346031.2, NM_001346032.2); c.2390T>C, p.Ile797Thr (NM_014722.5); c.2390T>C (NM_014722.2); short protein forms I747T, I776T, I797T.
Identifiers: ClinVar variation 3365896 (VCV003365896.4).

ClinVar aggregate classification (germline): Uncertain significance. Review status: criteria provided, multiple submitters, no conflicts (2 of 4 stars). 4 submissions from 4 submitters: Uncertain significance (4). Last evaluated 2025-08-30.

Submissions (4):

Ambry Genetics
Classification: Uncertain significance. Last evaluated: 2025-08-30. Review status: criteria provided, single submitter. Criteria: Ambry Variant Classification Scheme 2023. Collection method: clinical testing. Allele origin: germline.

Labcorp Genetics (formerly Invitae), Labcorp
Classification: Uncertain significance. Last evaluated: 2025-03-19. Review status: criteria provided, single submitter. Criteria: Invitae Variant Classification Sherloc (09022015). Collection method: clinical testing. Allele origin: germline.
Comment: This sequence change replaces isoleucine, which is neutral and non-polar, with threonine, which is neutral and polar, at codon 797 of the FAM65B protein (p.Ile797Thr). This variant is not present in population databases (gnomAD no frequency). This variant has not been reported in the literature in individuals affected with FAM65B-related conditions. ClinVar contains an entry for this variant (Variation ID: 3365896). An algorithm developed to predict the effect of missense changes on protein structure and function (PolyPhen-2) suggests that this variant is likely to be tolerated. In summary, the available evidence is currently insufficient to determine the role of this variant in disease. Therefore, it has been classified as a Variant of Uncertain Significance.

GeneDx
Classification: Uncertain significance. Last evaluated: 2023-12-24. Review status: criteria provided, single submitter. Criteria: GeneDx Variant Classification Process June 2021. Collection method: clinical testing. Allele origin: germline. Affected: yes.
Comment: Not observed at significant frequency in large population cohorts (gnomAD); In silico analysis supports that this missense variant does not alter protein structure/function; Has not been previously published as pathogenic or benign to our knowledge; Variants in candidate genes are classified as variants of uncertain significance in accordance with ACMG guidelines (PMID: 25741868)

Blueprint Genetics
Classification: Uncertain significance. Last evaluated: 2020-09-15. Review status: criteria provided, single submitter. Criteria: ACMG Guidelines, 2015. Collection method: clinical testing. Allele origin: germline.